The following is an entry in ClinVar:

ClinVar aggregate classification (germline): Uncertain significance (1 of 4 stars; one submission).

Submission:

Labcorp Genetics (formerly Invitae), Labcorp
Classification: Uncertain significance. Last evaluated: 2023-12-02. Review status: criteria provided, single submitter. Criteria: Invitae Variant Classification Sherloc (09022015). Collection method: clinical testing. Allele origin: germline.
Comment: This sequence change replaces phenylalanine, which is neutral and non-polar, with alanine, which is neutral and non-polar, at codon 364 of the ZNF687 protein (p.Phe364Ala). Information on the frequency of this variant in the gnomAD database is not available, as this variant may be reported differently in the database. This variant has not been reported in the literature in individuals affected with ZNF687-related conditions. An algorithm developed to predict the effect of missense changes on protein structure and function (PolyPhen-2) suggests that this variant is likely to be tolerated. In summary, the available evidence is currently insufficient to determine the role of this variant in disease. Therefore, it has been classified as a Variant of Uncertain Significance.

NM_020832.3(ZNF687):c.1090_1091delinsGC (p.Phe364Ala)

Gene: ZNF687 (zinc finger protein 687; plus strand). Cytogenetic location: 1q21.3.
Variant type: Indel.
Coding change: c.1090_1091delinsGC on transcript NM_020832.3 (MANE Select); coding-DNA positions 1090 to 1091, TT replaced by GC.
Protein change: p.Phe364Ala; replaces phenylalanine 364 with alanine.
Molecular consequence: missense variant.
Genome position (GRCh38, 1-based): chr1:151,287,381-151,287,382, TT replaced by GC. VCF-style: chr1-151287381-TT-GC. GRCh37 (hg19) VCF-style: chr1-151259857-TT-GC.
Other names: c.1090_1091delinsGC, p.Phe364Ala (NM_001304763.2, NM_001304764.2); short protein forms F364A.
Identifiers: ClinVar variation 2757213 (VCV002757213.3), dbSNP rs2528501839, ClinGen allele CA2697554536.